The following is an entry in ClinVar:

ClinVar aggregate classification (germline): Likely benign (0 of 4 stars; one submission).

Conditions:
ADGRE1-related disorder. Also called: ADGRE1-related condition.

Allele frequency attached by ClinVar (database versions not stated): ESP Exome Variant Server 0.00123; TOPMed 0.00145; gnomAD 0.00147; ExAC 0.00168; 1000 Genomes Project 0.00200; 1000 Genomes Project 30x 0.00234.
gnomAD v4.1: 1,955 of 1,614,106 alleles (0.12%); highest among the groups gnomAD compares: Middle Eastern, 0.4%; 6 homozygotes.

Submission:

PreventionGenetics, part of Exact Sciences
Classification: Likely benign for ADGRE1-related condition. Last evaluated: 2023-02-28. Review status: no assertion criteria provided. Collection method: clinical testing. Allele origin: germline.
Comment: This variant is classified as likely benign based on ACMG/AMP sequence variant interpretation guidelines (Richards et al. 2015 PMID: 25741868, with internal and published modifications).

NM_001974.5(ADGRE1):c.2006C>T (p.Ala669Val)

Genes: ADGRE1 (adhesion G protein-coupled receptor E1; plus strand), LOC130063345 (ATAC-STARR-seq lymphoblastoid active region 13869; plus strand). Cytogenetic location: 19p13.2.
Variant type: single nucleotide variant.
Coding change: c.2006C>T on transcript NM_001974.5 (MANE Select); coding-DNA position 2006, C replaced by T.
Protein change: p.Ala669Val; replaces alanine 669 with valine.
Molecular consequence: missense variant.
Genome position (GRCh38, 1-based): chr19:6,926,385, C>T. VCF-style: chr19-6926385-C-T. GRCh37 (hg19) VCF-style: chr19-6926396-C-T.
Other names: c.1850C>T, p.Ala617Val (NM_001256252.2); c.1811C>T, p.Ala604Val (NM_001256253.2); c.1583C>T, p.Ala528Val (NM_001256254.2); c.1475C>T, p.Ala492Val (NM_001256255.2); short protein forms A669V, A492V, A528V, A604V, A617V.
Identifiers: ClinVar variation 3038665 (VCV003038665.2), dbSNP rs117242880, ClinGen allele CA9133763.
Genomic context (GRCh38, chr19:6,926,385, plus strand): 5'-CTGGGGTGGAGGATTCTGATGCGCATGCTTCTCCCCTCCAGATGGGCTGCGCCATCATCG[C>T]GGGCTTCCTGCACTACCTTTTCCTTGCCTGCTTCTTCTGGATGCTGGTGGAGGCTGTGAT-3'
Protein context (NP_001965.3, residues 659-679): TDNKMGCAII[Ala669Val]GFLHYLFLAC